The following is an entry in ClinVar:

NM_016026.4(RDH11):c.14T>C (p.Met5Thr)

Genes: GPHN (gephyrin; plus strand), RDH11 (retinol dehydrogenase 11; minus strand). Cytogenetic location: 14q24.1.
Variant type: single nucleotide variant.
Coding change: c.14T>C on transcript NM_016026.4 (MANE Select); coding-DNA position 14, T replaced by C.
Protein change: p.Met5Thr; replaces methionine 5 with threonine.
Molecular consequence: missense variant.
Genome position (GRCh38, 1-based): chr14:67,695,690, A>G on the plus strand (T>C on the coding strand, the complement: RDH11 is on the minus strand). VCF-style: chr14-67695690-A-G. GRCh37 (hg19) VCF-style: chr14-68162407-A-G.
Other names: c.14T>C, p.Met5Thr (NM_001252650.2); short protein forms M5T.
Identifiers: ClinVar variation 967213 (VCV000967213.7), dbSNP rs1322308188, ClinGen allele CA390139193.

ClinVar aggregate classification (germline): Uncertain significance (1 of 4 stars; one submission).

Allele frequency attached by ClinVar (database versions not stated): gnomAD 0.00001 and 0.00003; gnomAD exomes 0.00001; TOPMed 0.00001.
gnomAD v4.1: 41 of 1,614,066 alleles (0.0025%); highest among the groups gnomAD compares: South Asian, 0.0066%; no homozygotes.

Submission:

Labcorp Genetics (formerly Invitae), Labcorp
Classification: Uncertain significance. Last evaluated: 2022-05-12. Review status: criteria provided, single submitter. Criteria: Invitae Variant Classification Sherloc (09022015). Collection method: clinical testing. Allele origin: germline.
Comment: This sequence change replaces methionine, which is neutral and non-polar, with threonine, which is neutral and polar, at codon 5 of the RDH11 protein (p.Met5Thr). This variant is present in population databases (no rsID available, gnomAD 0.002%). This variant has not been reported in the literature in individuals affected with RDH11-related conditions. ClinVar contains an entry for this variant (Variation ID: 967213). Algorithms developed to predict the effect of missense changes on protein structure and function (SIFT, PolyPhen-2, Align-GVGD) all suggest that this variant is likely to be tolerated. In summary, the available evidence is currently insufficient to determine the role of this variant in disease. Therefore, it has been classified as a Variant of Uncertain Significance.